The following is an entry in ClinVar:

ClinVar aggregate classification (germline): Uncertain significance. Review status: criteria provided, multiple submitters, no conflicts (2 of 4 stars). 2 submissions from 2 submitters: Uncertain significance (2). Last evaluated 2025-08-08.

Conditions:
Inborn genetic diseases. Identifiers: MedGen C0950123, MeSH D030342.

Allele frequency attached by ClinVar (database versions not stated): gnomAD exomes below 0.00001.
gnomAD v4.1: 2 of 1,547,606 alleles (0.00013%); highest among the groups gnomAD compares: Non-Finnish European, 0.00017%; no homozygotes.

Submissions (2):

Ambry Genetics
Classification: Uncertain significance for Inborn genetic diseases. Last evaluated: 2025-08-08. Review status: criteria provided, single submitter. Criteria: Ambry Variant Classification Scheme 2023. Collection method: clinical testing. Allele origin: germline.

Labcorp Genetics (formerly Invitae), Labcorp
Classification: Uncertain significance. Last evaluated: 2021-04-06. Review status: criteria provided, single submitter. Criteria: Invitae Variant Classification Sherloc (09022015). Collection method: clinical testing. Allele origin: germline.
Comment: In summary, the available evidence is currently insufficient to determine the role of this variant in disease. Therefore, it has been classified as a Variant of Uncertain Significance. Algorithms developed to predict the effect of missense changes on protein structure and function are either unavailable or do not agree on the potential impact of this missense change (SIFT: "Deleterious"; PolyPhen-2: "Possibly Damaging"; Align-GVGD: "Class C0"). This variant has not been reported in the literature in individuals with ERCC2-related conditions. The frequency data for this variant in the population databases is considered unreliable, as metrics indicate insufficient coverage at this position in the ExAC database. This sequence change replaces valine with methionine at codon 309 of the ERCC2 protein (p.Val309Met). The valine residue is highly conserved and there is a small physicochemical difference between valine and methionine.

NM_000400.4(ERCC2):c.925G>A (p.Val309Met)

Gene: ERCC2 (ERCC excision repair 2, TFIIH core complex helicase subunit; minus strand). Cytogenetic location: 19q13.32.
Variant type: single nucleotide variant.
Coding change: c.925G>A on transcript NM_000400.4 (MANE Select); coding-DNA position 925, G replaced by A.
Protein change: p.Val309Met; replaces valine 309 with methionine.
Molecular consequence: missense variant.
Genome position (GRCh38, 1-based): chr19:45,364,010, C>T on the plus strand (G>A on the coding strand, the complement: ERCC2 is on the minus strand). VCF-style: chr19-45364010-C-T. GRCh37 (hg19) VCF-style: chr19-45867268-C-T.
Other names: c.925G>A (NM_000400.3); c.853G>A, p.Val285Met (NM_001130867.2); short protein forms V309M, V285M.
Identifiers: ClinVar variation 1523542 (VCV001523542.9), dbSNP rs1395652548, ClinGen allele CA406373361.